The following is an entry in ClinVar:

NM_206926.2(SELENON):c.1105A>G (p.Ile369Val)

Gene: SELENON (selenoprotein N; plus strand). Cytogenetic location: 1p36.11.
Variant type: single nucleotide variant.
Coding change: c.1105A>G on transcript NM_206926.2 (MANE Select); coding-DNA position 1105, A replaced by G.
Protein change: p.Ile369Val; replaces isoleucine 369 with valine.
Molecular consequence: missense variant.
Genome position (GRCh38, 1-based): chr1:25,811,805, A>G. VCF-style: chr1-25811805-A-G. GRCh37 (hg19) VCF-style: chr1-26138296-A-G.
Other names: c.1207A>G, p.Ile403Val (NM_020451.3); short protein forms I369V, I403V.
Identifiers: ClinVar variation 2054471 (VCV002054471.4), dbSNP rs2524994863, ClinGen allele CA339117288.

ClinVar aggregate classification (germline): Uncertain significance (1 of 4 stars; one submission).

Conditions:
Eichsfeld type congenital muscular dystrophy (CMYO3). Also called: Rigid spine muscular dystrophy 1; MYOPATHY, SEPN1-RELATED; SELENON-related myopathy; Congenital myopathy 3 with rigid spine. Identifiers: MedGen C0410180, MONDO:0100100, OMIM 602771.

Submission:

Labcorp Genetics (formerly Invitae), Labcorp
Classification: Uncertain significance for Eichsfeld type congenital muscular dystrophy. Last evaluated: 2021-12-23. Review status: criteria provided, single submitter. Criteria: Invitae Variant Classification Sherloc (09022015). Collection method: clinical testing. Allele origin: germline.
Comment: In summary, the available evidence is currently insufficient to determine the role of this variant in disease. Therefore, it has been classified as a Variant of Uncertain Significance. Algorithms developed to predict the effect of sequence changes on RNA splicing suggest that this variant may create or strengthen a splice site. Algorithms developed to predict the effect of missense changes on protein structure and function are either unavailable or do not agree on the potential impact of this missense change (SIFT: "Deleterious"; PolyPhen-2: "Benign"; Align-GVGD: "Class C25"). This variant has not been reported in the literature in individuals affected with SELENON-related conditions. This variant is not present in population databases (gnomAD no frequency). This sequence change replaces isoleucine, which is neutral and non-polar, with valine, which is neutral and non-polar, at codon 403 of the SELENON protein (p.Ile403Val).